The following is an entry in ClinVar:

NM_001199799.2(ILDR1):c.1141C>T (p.Gln381Ter)

Gene: ILDR1 (immunoglobulin like domain containing receptor 1; minus strand). Cytogenetic location: 3q13.33.
Variant type: single nucleotide variant.
Coding change: c.1141C>T on transcript NM_001199799.2 (MANE Select); coding-DNA position 1141, C replaced by T.
Protein change: p.Gln381Ter; replaces glutamine 381 with a stop codon.
Molecular consequence: nonsense.
Genome position (GRCh38, 1-based): chr3:121,993,608, G>A on the plus strand (C>T on the coding strand, the complement: ILDR1 is on the minus strand). VCF-style: chr3-121993608-G-A. GRCh37 (hg19) VCF-style: chr3-121712455-G-A.
Other names: c.874C>T, p.Gln292Ter (NM_001199800.2); c.1009C>T, p.Gln337Ter (NM_175924.4); short protein forms Q292*, Q337*, Q381*.
Identifiers: ClinVar variation 3601172 (VCV003601172.1).

ClinVar aggregate classification (germline): Pathogenic (1 of 4 stars; one submission).

Conditions:
Autosomal recessive nonsyndromic hearing loss 42. Identifiers: Orphanet 90636, MedGen C1864818, MONDO:0012326, OMIM 609646.

gnomAD v4.1: 2 of 1,614,214 alleles (0.00012%); highest among the groups gnomAD compares: Non-Finnish European, 0.00017%; no homozygotes.

Submission:

Institute of Rare Diseases, West China Hospital, Sichuan University
Classification: Pathogenic for Autosomal recessive nonsyndromic hearing loss 42. Last evaluated: 2025-01-09. Review status: criteria provided, single submitter. Criteria: ClinGen HL ACMG Specifications v1. Collection method: research. Allele origin: germline. Affected: yes.
Comment: PVS1;PM3;PM2_Supporting